The following is an entry in ClinVar:

NM_007294.4(BRCA1):c.969A>T (p.Gly323=)

Gene: BRCA1 (BRCA1 DNA repair associated; minus strand). Cytogenetic location: 17q21.31.
Variant type: single nucleotide variant.
Coding change: c.969A>T on transcript NM_007294.4 (MANE Select); coding-DNA position 969, A replaced by T.
Protein change: p.Gly323=; no amino-acid change (glycine 323 retained).
Molecular consequence: synonymous variant. On other transcripts: intron variant (137).
Genome position (GRCh38, 1-based): chr17:43,094,562, T>A on the plus strand (A>T on the coding strand, the complement: BRCA1 is on the minus strand). VCF-style: chr17-43094562-T-A. GRCh37 (hg19) VCF-style: chr17-41246579-T-A.
Other names: c.969A>T, p.Gly323= (NM_001407652.1, NM_001407684.1, NM_001407854.1 and 30 more transcripts); c.891A>T, p.Gly297= (NM_001407653.1, NM_001407654.1, NM_001407655.1 and 4 more transcripts); c.888A>T, p.Gly296= (NM_001407659.1, NM_001407660.1, NM_001407661.1 and 1 more transcripts); c.846A>T, p.Gly282= (NM_001407664.1, NM_001407665.1, NM_001407666.1 and 19 more transcripts); c.843A>T, p.Gly281= (NM_001407670.1, NM_001407671.1, NM_001407672.1 and 11 more transcripts); c.828A>T, p.Gly276= (NM_001407692.1, NM_001407694.1, NM_001407695.1 and 29 more transcripts); c.825A>T, p.Gly275= (NM_001407740.1, NM_001407741.1, NM_001407742.1 and 20 more transcripts); c.756A>T, p.Gly252= (NM_001407853.1, NM_001407894.1, NM_001407895.1 and 9 more transcripts); and 40 more.
Identifiers: ClinVar variation 184649 (VCV000184649.23), dbSNP rs45586033, ClinGen allele CA003991.

ClinVar aggregate classification (germline): Likely benign. Review status: reviewed by expert panel (3 of 4 stars). 7 submissions from 7 submitters: Likely benign (1). 6 of the submissions do not count toward it. Last evaluated 2017-06-29.

Conditions:
Hereditary breast ovarian cancer syndrome. Also called: Hereditary breast and ovarian cancer syndrome; Hereditary breast and ovarian cancer syndrome (HBOC); BRCA1- and BRCA2-Associated Hereditary Breast and Ovarian Cancer; Breast and ovarian cancer; Hereditary breast and ovarian cancer; Hereditary breast and/or ovarian cancer syndrome. Identifiers: Orphanet 145, MedGen C0677776, MeSH D061325, MONDO:0003582. Disease mechanism: loss of function.
Hereditary cancer-predisposing syndrome. Also called: Hereditary Cancer Syndrome; Hereditary neoplastic syndrome; Tumor predisposition; Neoplastic Syndromes, Hereditary. Identifiers: Orphanet 140162, MedGen C0027672, MeSH D009386, MONDO:0015356.
Breast-ovarian cancer, familial, susceptibility to, 1 (BROVCA1). Also called: OVARIAN CANCER, SUSCEPTIBILITY TO; BRCA1 Hereditary Breast and Ovarian Cancer. Identifiers: Orphanet 145, MedGen C2676676, MONDO:0011450, OMIM 604370. Disease mechanism: loss of function.

Allele frequency attached by ClinVar (database versions not stated): gnomAD exomes below 0.00001.
gnomAD v4.1: 5 of 1,614,216 alleles (0.00031%); highest among the groups gnomAD compares: Non-Finnish European, 0.00034%; no homozygotes.

Submissions (7):

Evidence-based Network for the Interpretation of Germline Mutant Alleles (ENIGMA)
Classification: Likely benign for Breast-ovarian cancer, familial, susceptibility to, 1. Last evaluated: 2017-06-29. Review status: reviewed by expert panel. Criteria: ENIGMA BRCA1/2 Classification Criteria (2017-06-29). Collection method: curation. Allele origin: germline.
Comment: Synonymous substitution variant, with low bioinformatic likelihood to result in a splicing aberration (Splicing prior probability 0.02).

Labcorp Genetics (formerly Invitae), Labcorp
Classification: Likely benign for Hereditary breast ovarian cancer syndrome. Last evaluated: 2026-01-14. Review status: criteria provided, single submitter. Criteria: Invitae Variant Classification Sherloc (09022015). Collection method: clinical testing. Allele origin: germline. Not counted in ClinVar's aggregate classification.

Quest Diagnostics Nichols Institute San Juan Capistrano
Classification: Likely benign. Last evaluated: 2025-11-07. Review status: criteria provided, single submitter. Criteria: Quest Diagnostics criteria. Collection method: clinical testing. Allele origin: unknown. Not counted in ClinVar's aggregate classification.

Women's Health and Genetics/Laboratory Corporation of America, LabCorp
Classification: Likely benign. Last evaluated: 2023-03-14. Review status: criteria provided, single submitter. Criteria: LabCorp Variant Classification Summary - May 2015. Collection method: clinical testing. Allele origin: germline. Not counted in ClinVar's aggregate classification.

Ambry Genetics
Classification: Likely benign for Hereditary cancer-predisposing syndrome. Last evaluated: 2018-03-23. Review status: criteria provided, single submitter. Criteria: Ambry Variant Classification Scheme 2023. Collection method: clinical testing. Allele origin: germline. Not counted in ClinVar's aggregate classification.

Color Diagnostics, LLC DBA Color Health
Classification: Likely benign for Hereditary cancer-predisposing syndrome. Last evaluated: 2017-11-06. Review status: criteria provided, single submitter. Criteria: ACMG Guidelines, 2015. Collection method: clinical testing. Allele origin: germline. Not counted in ClinVar's aggregate classification.

GeneDx
Classification: Likely benign. Last evaluated: 2016-02-10. Review status: criteria provided, single submitter. Criteria: GeneDx Variant Classification (06012015). Collection method: clinical testing. Allele origin: germline. Affected: yes. Not counted in ClinVar's aggregate classification.
Comment: This variant is considered likely benign or benign based on one or more of the following criteria: it is a conservative change, it occurs at a poorly conserved position in the protein, it is predicted to be benign by multiple in silico algorithms, and/or has population frequency not consistent with disease.